The following is an entry in ClinVar:

ClinVar aggregate classification (germline): Uncertain significance (1 of 4 stars; one submission).

Submission:

GeneDx
Classification: Uncertain significance. Last evaluated: 2019-08-06. Review status: criteria provided, single submitter. Criteria: GeneDx Variant Classification Process June 2021. Collection method: clinical testing. Allele origin: germline. Affected: yes.
Comment: Has not been previously published as pathogenic or benign to our knowledge; Not observed in large population cohorts (Lek et al., 2016); In silico analysis, which includes protein predictors and evolutionary conservation, supports that this variant does not alter protein structure/function

NM_000540.3(RYR1):c.11050G>A (p.Glu3684Lys)

Gene: RYR1 (ryanodine receptor 1; plus strand). Cytogenetic location: 19q13.2.
Variant type: single nucleotide variant.
Coding change: c.11050G>A on transcript NM_000540.3 (MANE Select); coding-DNA position 11050, G replaced by A.
Protein change: p.Glu3684Lys; replaces glutamic acid 3684 with lysine.
Molecular consequence: missense variant.
Genome position (GRCh38, 1-based): chr19:38,528,966, G>A. VCF-style: chr19-38528966-G-A. GRCh37 (hg19) VCF-style: chr19-39019606-G-A.
Other names: c.11035G>A, p.Glu3679Lys (NM_001042723.2); short protein forms E3679K, E3684K.
Identifiers: ClinVar variation 1307649 (VCV001307649.2), dbSNP rs2145724866, ClinGen allele CA405649965.